The following is an entry in ClinVar:

ClinVar aggregate classification (germline): Conflicting classifications of pathogenicity. Review status: criteria provided, conflicting classifications (1 of 4 stars). 6 submissions from 6 submitters: Uncertain significance (4); Likely benign (2). Last evaluated 2024-11-21.

Conditions:
Inborn genetic diseases. Identifiers: MedGen C0950123, MeSH D030342.
Osteogenesis imperfecta (OI). Identifiers: Orphanet 666, MedGen C0029434, MeSH D010013, MONDO:0019019.

Allele frequency attached by ClinVar (database versions not stated): gnomAD 0.00019 and 0.00024; gnomAD exomes 0.00021; ExAC 0.00024; TOPMed 0.00029; ESP Exome Variant Server 0.00038; 1000 Genomes Project 0.00040; 1000 Genomes Project 30x 0.00078.
gnomAD v4.1: 272 of 1,612,892 alleles (0.017%); highest among the groups gnomAD compares: Middle Eastern, 0.25%; no homozygotes.

Submissions (6):

Blueprint Genetics
Classification: Uncertain significance. Last evaluated: 2024-11-21. Review status: criteria provided, single submitter. Criteria: ACMG Guidelines, 2015. Collection method: clinical testing. Allele origin: germline.

Women's Health and Genetics/Laboratory Corporation of America, LabCorp
Classification: Uncertain significance. Last evaluated: 2024-10-16. Review status: criteria provided, single submitter. Criteria: LabCorp Variant Classification Summary - May 2015. Collection method: clinical testing. Allele origin: germline.
Comment: Variant summary: BMP1 c.239G>A (p.Arg80His) results in a non-conservative amino acid change in the encoded protein sequence. Four of five in-silico tools predict a benign effect of the variant on protein function. The variant allele was found at a frequency of 0.00021 in 250630 control chromosomes. This frequency is not significantly higher than estimated for a pathogenic variant in BMP1 causing Osteogenesis Imperfecta (0.00021 vs 0.0011), allowing no conclusion about variant significance. To our knowledge, no occurrence of c.239G>A in individuals affected with Osteogenesis Imperfecta and no experimental evidence demonstrating its impact on protein function have been reported. ClinVar contains an entry for this variant (Variation ID: 1218697). Based on the evidence outlined above, the variant was classified as uncertain significance.

Labcorp Genetics (formerly Invitae), Labcorp
Classification: Uncertain significance. Last evaluated: 2022-08-23. Review status: criteria provided, single submitter. Criteria: Invitae Variant Classification Sherloc (09022015). Collection method: clinical testing. Allele origin: germline.
Comment: This sequence change replaces arginine, which is basic and polar, with histidine, which is basic and polar, at codon 80 of the BMP1 protein (p.Arg80His). This variant is present in population databases (rs73549580, gnomAD 0.05%). This variant has not been reported in the literature in individuals affected with BMP1-related conditions. ClinVar contains an entry for this variant (Variation ID: 1218697). Algorithms developed to predict the effect of missense changes on protein structure and function output the following: SIFT: "Tolerated"; PolyPhen-2: "Benign"; Align-GVGD: "Class C0". The histidine amino acid residue is found in multiple mammalian species, which suggests that this missense change does not adversely affect protein function. Algorithms developed to predict the effect of sequence changes on RNA splicing suggest that this variant may disrupt the consensus splice site. In summary, the available evidence is currently insufficient to determine the role of this variant in disease. Therefore, it has been classified as a Variant of Uncertain Significance.

Ambry Genetics
Classification: Likely benign for Inborn genetic diseases. Last evaluated: 2021-09-01. Review status: criteria provided, single submitter. Criteria: Ambry Variant Classification Scheme 2023. Collection method: clinical testing. Allele origin: germline.

Genome Diagnostics Laboratory, The Hospital for Sick Children
Classification: Uncertain significance for Osteogenesis imperfecta. Last evaluated: 2020-09-04. Review status: criteria provided, single submitter. Criteria: ACMG Guidelines, 2015. Collection method: clinical testing. Allele origin: germline.

GeneDx
Classification: Likely benign. Last evaluated: 2019-12-23. Review status: criteria provided, single submitter. Criteria: GeneDx Variant Classification Process June 2021. Collection method: clinical testing. Allele origin: germline. Affected: yes.

NM_006129.5(BMP1):c.239G>A (p.Arg80His)

Gene: BMP1 (bone morphogenetic protein 1; plus strand). Cytogenetic location: 8p21.3.
Variant type: single nucleotide variant.
Coding change: c.239G>A on transcript NM_006129.5 (MANE Select); coding-DNA position 239, G replaced by A.
Protein change: p.Arg80His; replaces arginine 80 with histidine.
Molecular consequence: missense variant. On other transcripts: non-coding transcript variant (2).
Genome position (GRCh38, 1-based): chr8:22,173,692, G>A. VCF-style: chr8-22173692-G-A. GRCh37 (hg19) VCF-style: chr8-22031205-G-A.
Other names: c.239G>A, p.Arg80His (NM_001199.4); short protein forms R80H.
Identifiers: ClinVar variation 1218697 (VCV001218697.13), dbSNP rs73549580, ClinGen allele CA4664197.